The following is an entry in ClinVar:

ClinVar aggregate classification (germline): Uncertain significance (1 of 4 stars; one submission).

Conditions:
Neurofibromatosis, type 1 (NF1). Also called: Peripheral type neurofibromatosis; VON RECKLINGHAUSEN DISEASE; Neurofibromatosis, type I; NEUROFIBROMATOSIS, TYPE I, SOMATIC. Identifiers: Orphanet 636, MedGen C0027831, MONDO:0018975, OMIM 162200. Disease mechanism: loss of function.

Allele frequency attached by ClinVar (database versions not stated): gnomAD exomes below 0.00001.

Submission:

Labcorp Genetics (formerly Invitae), Labcorp
Classification: Uncertain significance for Neurofibromatosis, type 1. Last evaluated: 2021-09-17. Review status: criteria provided, single submitter. Criteria: Invitae Variant Classification Sherloc (09022015). Collection method: clinical testing. Allele origin: germline.
Comment: This sequence change replaces methionine with valine at codon 1050 of the NF1 protein (p.Met1050Val). The methionine residue is moderately conserved and there is a small physicochemical difference between methionine and valine. In summary, the available evidence is currently insufficient to determine the role of this variant in disease. Therefore, it has been classified as a Variant of Uncertain Significance. Algorithms developed to predict the effect of missense changes on protein structure and function are either unavailable or do not agree on the potential impact of this missense change (SIFT: "Tolerated"; PolyPhen-2: "Possibly Damaging"; Align-GVGD: "Class C0"). ClinVar contains an entry for this variant (Variation ID: 936842). This variant has not been reported in the literature in individuals affected with NF1-related conditions. This variant is not present in population databases (ExAC no frequency).

NM_001042492.3(NF1):c.3148A>G (p.Met1050Val)

Gene: NF1 (neurofibromin 1; plus strand). Cytogenetic location: 17q11.2.
Variant type: single nucleotide variant.
Coding change: c.3148A>G on transcript NM_001042492.3 (MANE Select); coding-DNA position 3148, A replaced by G.
Protein change: p.Met1050Val; replaces methionine 1050 with valine.
Molecular consequence: missense variant.
Genome position (GRCh38, 1-based): chr17:31,230,876, A>G. VCF-style: chr17-31230876-A-G. GRCh37 (hg19) VCF-style: chr17-29557894-A-G.
Other names: c.3148A>G, p.Met1050Val (NM_000267.4); short protein forms M1050V.
Identifiers: ClinVar variation 936842 (VCV000936842.6), dbSNP rs2067101757, ClinGen allele CA398988014.